The following is an entry in ClinVar:

ClinVar aggregate classification (germline): Uncertain significance. Review status: criteria provided, multiple submitters, no conflicts (2 of 4 stars). 2 submissions from 2 submitters: Uncertain significance (2). Last evaluated 2026-01-09.

Conditions:
Inborn genetic diseases. Identifiers: MedGen C0950123, MeSH D030342.

gnomAD v4.1: 42 of 1,614,134 alleles (0.0026%); highest among the groups gnomAD compares: Middle Eastern, 0.016%; no homozygotes.

Submissions (2):

Ambry Genetics
Classification: Uncertain significance for Inborn genetic diseases. Last evaluated: 2026-01-09. Review status: criteria provided, single submitter. Criteria: Ambry Variant Classification Scheme 2023. Collection method: clinical testing. Allele origin: germline.
Comment: The c.6305C>T (p.P2102L) alteration is located in exon 48 (coding exon 48) of the NBAS gene. This alteration results from a C to T substitution at nucleotide position 6305, causing the proline (P) at amino acid position 2102 to be replaced by a leucine (L). Based on data from gnomAD, the T allele has an overall frequency of 0.002% (5/251342) total alleles studied. The highest observed frequency was 0.004% (4/113652) of European (non-Finnish) alleles. Based on insufficient or conflicting evidence, the clinical significance of this alteration remains unclear.

Labcorp Genetics (formerly Invitae), Labcorp
Classification: Uncertain significance. Last evaluated: 2025-01-13. Review status: criteria provided, single submitter. Criteria: Invitae Variant Classification Sherloc (09022015). Collection method: clinical testing. Allele origin: germline.
Comment: This sequence change replaces proline, which is neutral and non-polar, with leucine, which is neutral and non-polar, at codon 2102 of the NBAS protein (p.Pro2102Leu). This variant is present in population databases (rs137987698, gnomAD 0.003%). This variant has not been reported in the literature in individuals affected with NBAS-related conditions. ClinVar contains an entry for this variant (Variation ID: 1410784). Invitae Evidence Modeling of protein sequence and biophysical properties (such as structural, functional, and spatial information, amino acid conservation, physicochemical variation, residue mobility, and thermodynamic stability) indicates that this missense variant is not expected to disrupt NBAS protein function with a negative predictive value of 95%. In summary, the available evidence is currently insufficient to determine the role of this variant in disease. Therefore, it has been classified as a Variant of Uncertain Significance.

NM_015909.4(NBAS):c.6305C>T (p.Pro2102Leu)

Gene: NBAS (NBAS subunit of NRZ tethering complex; minus strand). Cytogenetic location: 2p24.3.
Variant type: single nucleotide variant.
Coding change: c.6305C>T on transcript NM_015909.4 (MANE Select); coding-DNA position 6305, C replaced by T.
Protein change: p.Pro2102Leu; replaces proline 2102 with leucine.
Molecular consequence: missense variant.
Genome position (GRCh38, 1-based): chr2:15,218,900, G>A on the plus strand (C>T on the coding strand, the complement: NBAS is on the minus strand). VCF-style: chr2-15218900-G-A. GRCh37 (hg19) VCF-style: chr2-15359024-G-A.
Other names: c.6305C>T (NM_015909.2); short protein forms P2102L.
Identifiers: ClinVar variation 1410784 (VCV001410784.8), dbSNP rs137987698, ClinGen allele CA1535047.